The following is an entry in ClinVar:

NM_001829.4(CLCN3):c.171T>A (p.Tyr57Ter)

Gene: CLCN3 (chloride voltage-gated channel 3; plus strand). Cytogenetic location: 4q33.
Variant type: single nucleotide variant.
Coding change: c.171T>A on transcript NM_001829.4 (MANE Select); coding-DNA position 171, T replaced by A.
Protein change: p.Tyr57Ter; replaces tyrosine 57 with a stop codon.
Molecular consequence: nonsense.
Genome position (GRCh38, 1-based): chr4:169,680,060, T>A. VCF-style: chr4-169680060-T-A. GRCh37 (hg19) VCF-style: chr4-170601211-T-A.
Other names: c.171T>A, p.Tyr57Ter (NM_001243372.2, NM_173872.4); c.90T>A, p.Tyr30Ter (NM_001243374.2); short protein forms Y30*, Y57*.
Identifiers: ClinVar variation 3235081 (VCV003235081.1), dbSNP rs1731875859, ClinGen allele CA358735670.

ClinVar aggregate classification (germline): Uncertain significance (1 of 4 stars; one submission).

Conditions:
Neurodevelopmental disorder with hypotonia and brain abnormalities. Identifiers: MedGen C5561977, MONDO:0859187, OMIM 619512.

Submission:

Institute of Immunology and Genetics Kaiserslautern
Classification: Uncertain significance for Neurodevelopmental disorder with hypotonia and brain abnormalities. Last evaluated: 2024-04-15. Review status: criteria provided, single submitter. Criteria: ACMG Guidelines, 2015. Collection method: clinical testing. Allele origin: germline. Affected: yes.
Comment: ACMG Criteria: PM2_p, PVS1_m; Variant was found in heterozygous state